The following is an entry in ClinVar:

NM_012472.6(DNAAF11):c.232A>G (p.Ile78Val)

Gene: DNAAF11 (dynein axonemal assembly factor 11; minus strand). Cytogenetic location: 8q24.22.
Variant type: single nucleotide variant.
Coding change: c.232A>G on transcript NM_012472.6 (MANE Select); coding-DNA position 232, A replaced by G.
Protein change: p.Ile78Val; replaces isoleucine 78 with valine.
Molecular consequence: missense variant. On other transcripts: 5 prime UTR variant (4), non-coding transcript variant (7), intron variant (1).
Genome position (GRCh38, 1-based): chr8:132,656,854, T>C on the plus strand (A>G on the coding strand, the complement: DNAAF11 is on the minus strand). VCF-style: chr8-132656854-T-C. GRCh37 (hg19) VCF-style: chr8-133669100-T-C.
Other names: c.232A>G, p.Ile78Val (NM_001321961.2); c.-129A>G (NM_001321963.2, NM_001321964.2, NM_001321966.2); c.-442A>G (NM_001321965.2); c.10+18630A>G (NM_001321962.2); c.232A>G (NM_012472.5, NM_012472.3); short protein forms I78V.
Identifiers: ClinVar variation 778722 (VCV000778722.13), dbSNP rs146175329, ClinGen allele CA4881436.

ClinVar aggregate classification (germline): Conflicting classifications of pathogenicity. Review status: criteria provided, conflicting classifications (1 of 4 stars). 4 submissions from 4 submitters: Uncertain significance (1); Likely benign (2). 1 of the submissions does not count toward it. Last evaluated 2025-12-02.

Conditions:
DNAAF11-related disorder. Also called: DNAAF11-related condition.
Primary ciliary dyskinesia 19. Also called: CILIARY DYSKINESIA, PRIMARY, 19, WITH OR WITHOUT SITUS INVERSUS. Identifiers: Orphanet 244, MedGen C3543826, MONDO:0013979, OMIM 614935.
Primary ciliary dyskinesia. Also called: Ciliary dyskinesia. Identifiers: Orphanet 244, MedGen C0008780, MONDO:0016575, HP:0012265.

Allele frequency attached by ClinVar (database versions not stated): gnomAD exomes 0.00020; ExAC 0.00030; 1000 Genomes Project 0.00040; 1000 Genomes Project 30x 0.00062; ESP Exome Variant Server 0.00069; gnomAD 0.00076 and 0.00083; TOPMed 0.00079.
gnomAD v4.1: 178 of 1,366,828 alleles (0.013%); highest among the groups gnomAD compares: African/African-American, 0.24%; no homozygotes.

Submissions (4):

Labcorp Genetics (formerly Invitae), Labcorp
Classification: Likely benign for Primary ciliary dyskinesia 19. Last evaluated: 2025-12-02. Review status: criteria provided, single submitter. Criteria: Invitae Variant Classification Sherloc (09022015). Collection method: clinical testing. Allele origin: germline.

Ambry Genetics
Classification: Likely benign for Primary ciliary dyskinesia. Last evaluated: 2024-03-04. Review status: criteria provided, single submitter. Criteria: Ambry Variant Classification Scheme 2023. Collection method: clinical testing. Allele origin: germline.

Baylor Genetics
Classification: Uncertain significance for Primary ciliary dyskinesia 19. Last evaluated: 2019-08-30. Review status: criteria provided, single submitter. Criteria: ACMG Guidelines, 2015. Collection method: clinical testing. Allele origin: unknown. Affected: yes.
Comment: This variant was determined to be of uncertain significance according to ACMG Guidelines, 2015 [PMID:25741868].

PreventionGenetics, part of Exact Sciences
Classification: Likely benign for DNAAF11-related condition. Last evaluated: 2024-09-08. Review status: no assertion criteria provided. Collection method: clinical testing. Allele origin: germline. Not counted in ClinVar's aggregate classification.
Comment: This variant is classified as likely benign based on ACMG/AMP sequence variant interpretation guidelines (Richards et al. 2015 PMID: 25741868, with internal and published modifications).